The following is an entry in ClinVar:

ClinVar aggregate classification (germline): Likely benign (1 of 4 stars; one submission).

Allele frequency attached by ClinVar (database versions not stated): 1000 Genomes Project 0.00260; 1000 Genomes Project 30x 0.00281; gnomAD 0.00457; TOPMed 0.00507.
gnomAD v4.1: 2,014 of 398,680 alleles (0.51%); highest among the groups gnomAD compares: Non-Finnish European, 0.7%; 8 homozygotes.

Submission:

CeGaT Center for Human Genetics Tuebingen
Classification: Likely benign. Last evaluated: 2026-10-01. Review status: criteria provided, single submitter. Criteria: CeGaT Center For Human Genetics Tuebingen Variant Classification Criteria Version 2. Collection method: clinical testing. Allele origin: germline. Affected: yes. Observed: 53 variant alleles.
Comment: KCNQ1: BS2; KCNQ1OT1: BS2

NM_000218.3(KCNQ1):c.1394-1091A>G

Genes: KCNQ1 (potassium voltage-gated channel subfamily Q member 1; plus strand), KCNQ1OT1 (KCNQ1 opposite strand/antisense transcript 1; minus strand). Cytogenetic location: 11p15.5.
Variant type: single nucleotide variant.
Coding change: c.1394-1091A>G on transcript NM_000218.3 (MANE Select); 1091 bases into the intron before coding-DNA position 1394, A replaced by G.
Molecular consequence: intron variant.
Genome position (GRCh38, 1-based): chr11:2,660,870, A>G. VCF-style: chr11-2660870-A-G. GRCh37 (hg19) VCF-style: chr11-2682100-A-G.
Other names: c.1013-1091A>G (NM_181798.2); c.1124-1091A>G (NM_001406837.1); c.1298-1091A>G (NM_001406836.1); c.854-1091A>G (NM_001406838.1).
Identifiers: ClinVar variation 1879180 (VCV001879180.29), dbSNP rs149658888, ClinGen allele CA216169723.